The following is an entry in ClinVar:

ClinVar aggregate classification (germline): Uncertain significance (1 of 4 stars; one submission).

Allele frequency attached by ClinVar (database versions not stated): gnomAD exomes below 0.00001.

Submission:

Labcorp Genetics (formerly Invitae), Labcorp
Classification: Uncertain significance. Last evaluated: 2022-03-01. Review status: criteria provided, single submitter. Criteria: Invitae Variant Classification Sherloc (09022015). Collection method: clinical testing. Allele origin: germline.
Comment: Experimental studies and prediction algorithms are not available or were not evaluated, and the functional significance of this variant is currently unknown. In summary, the available evidence is currently insufficient to determine the role of this variant in disease. Therefore, it has been classified as a Variant of Uncertain Significance. This variant has not been reported in the literature in individuals affected with RGS9BP-related conditions. This variant is not present in population databases (gnomAD no frequency). This sequence change creates a premature translational stop signal (p.Leu89Alafs*211) in the RGS9BP gene. While this is not anticipated to result in nonsense mediated decay, it is expected to disrupt the last 147 amino acid(s) of the RGS9BP protein.

NM_207391.3(RGS9BP):c.264dup (p.Leu89fs)

Genes: RGS9BP (regulator of G protein signaling 9 binding protein; plus strand), LOC130064161 (ATAC-STARR-seq lymphoblastoid active region 14432; plus strand). Cytogenetic location: 19q13.11.
Variant type: Duplication.
Coding change: c.264dup on transcript NM_207391.3 (MANE Select); coding-DNA position 264, one base duplicated (G; older notation c.264dupG).
Protein change: p.Leu89fs; shifts the reading frame from leucine 89.
Molecular consequence: frameshift variant.
Genome position (GRCh38, 1-based): chr19:32,676,527, G duplicated. VCF-style (leftmost placement, unchanged base first): chr19-32676526-T-TG. GRCh37 (hg19) VCF-style: chr19-33167432-T-TG.
Other names: short protein forms L89fs.
Identifiers: ClinVar variation 2105300 (VCV002105300.4), dbSNP rs2513249016, ClinGen allele CA2580096780.
Genomic context (GRCh38, chr19:32,676,526, plus strand): 5'-CCGCCGACGAGCGCGCCGAGTTCGAGCGGCTCTGGGTGGCCTTCTCGGGCTGCCTGGACC[T>TG]GCTGGAAGCGGACATGCGACGCGCGCTGGAGCTGGGCGCCGCGTTCCCGCTGCACGCGCC-3'